The following is an entry in ClinVar:

ClinVar aggregate classification (germline): Uncertain significance (1 of 4 stars; one submission).

Conditions:
Congenital myasthenic syndrome 8. Also called: Myasthenic syndrome, congenital, 8, with pre- and postsynaptic defects; MYASTHENIC SYNDROME, CONGENITAL, DUE TO AGRIN DEFICIENCY. Identifiers: Orphanet 590, MedGen C3808739, MONDO:0014052, OMIM 615120.

Submission:

Labcorp Genetics (formerly Invitae), Labcorp
Classification: Uncertain significance for Congenital myasthenic syndrome 8. Last evaluated: 2021-12-15. Review status: criteria provided, single submitter. Criteria: Invitae Variant Classification Sherloc (09022015). Collection method: clinical testing. Allele origin: germline.
Comment: This sequence change replaces aspartic acid, which is acidic and polar, with glutamic acid, which is acidic and polar, at codon 291 of the AGRN protein (p.Asp291Glu). This variant is not present in population databases (gnomAD no frequency). This variant has not been reported in the literature in individuals affected with AGRN-related conditions. Algorithms developed to predict the effect of missense changes on protein structure and function are either unavailable or do not agree on the potential impact of this missense change (SIFT: "Deleterious"; PolyPhen-2: "Possibly Damaging"; Align-GVGD: "Class C0"). In summary, the available evidence is currently insufficient to determine the role of this variant in disease. Therefore, it has been classified as a Variant of Uncertain Significance.

NM_198576.4(AGRN):c.873C>A (p.Asp291Glu)

Gene: AGRN (agrin; plus strand). Cytogenetic location: 1p36.33.
Variant type: single nucleotide variant.
Coding change: c.873C>A on transcript NM_198576.4 (MANE Select); coding-DNA position 873, C replaced by A.
Protein change: p.Asp291Glu; replaces aspartic acid 291 with glutamic acid.
Molecular consequence: missense variant.
Genome position (GRCh38, 1-based): chr1:1,041,318, C>A. VCF-style: chr1-1041318-C-A. GRCh37 (hg19) VCF-style: chr1-976698-C-A.
Other names: c.873C>A, p.Asp291Glu (NM_001305275.2); c.558C>A, p.Asp186Glu (NM_001364727.2); short protein forms D291E, D186E.
Identifiers: ClinVar variation 1355909 (VCV001355909.1), dbSNP rs2100633463, ClinGen allele CA337824632.